The following is an entry in ClinVar:

ClinVar aggregate classification (germline): Conflicting classifications of pathogenicity. Review status: criteria provided, conflicting classifications (1 of 4 stars). 2 submissions from 2 submitters: Uncertain significance (1); Likely benign (1). Last evaluated 2025-08-09.

Conditions:
Tumor predisposition syndrome 3 (TPDS3). Also called: Melanoma, cutaneous malignant, susceptibility to, 10; Glioma susceptibility 9; LONG TELOMERE SYNDROME, POT1-RELATED; POT1 Tumor Predisposition. Identifiers: Orphanet 618, MedGen C4014476, MONDO:0014368, OMIM 615848.

Submissions (2):

Labcorp Genetics (formerly Invitae), Labcorp
Classification: Likely benign for Tumor predisposition syndrome 3. Last evaluated: 2025-08-09. Review status: criteria provided, single submitter. Criteria: Invitae Variant Classification Sherloc (09022015). Collection method: clinical testing. Allele origin: germline.

GeneDx
Classification: Uncertain significance. Last evaluated: 2020-04-09. Review status: criteria provided, single submitter. Criteria: GeneDx Variant Classification Process June 2021. Collection method: clinical testing. Allele origin: germline. Affected: yes.
Comment: In silico analysis supports a deleterious effect on splicing; Located in a region that tolerates variation and lacks pathogenic variants; Has not been previously published as pathogenic or benign to our knowledge

NM_015450.3(POT1):c.1506-16_1506-13del

Gene: POT1 (protection of telomeres 1; minus strand). Cytogenetic location: 7q31.33.
Variant type: Microsatellite.
Coding change: c.1506-16_1506-13del on transcript NM_015450.3 (MANE Select); 16 bases into the intron before coding-DNA position 1506 through 13 bases into the intron before coding-DNA position 1506, 4 bases deleted (CTTT; older notation c.1506-16_1506-13delCTTT).
Molecular consequence: intron variant.
Genome position (GRCh38, 1-based): chr7:124,829,355-124,829,358, AAAG deleted on the plus strand (CTTT on the coding strand, the reverse complement: POT1 is on the minus strand); deleting any 4 consecutive bases within chr7:124,829,355-124,829,364 gives the same sequence; the c. name uses the placement nearest the transcript's 3' end. VCF-style (leftmost placement, unchanged base first): chr7-124829354-AAAAG-A. GRCh37 (hg19) VCF-style: chr7-124469408-AAAAG-A.
Other names: c.1113-16_1113-13del (NM_001042594.2).
Identifiers: ClinVar variation 1312624 (VCV001312624.9), dbSNP rs781616553, ClinGen allele CA4465081.
Genomic context (GRCh38, chr7:124,829,354, plus strand): 5'-CAGGGAATTTAGATTTTGTATGGATCTCAAACTAGAACACTGTTTACATCTGAAATTTAT[AAAAG>A]AAAGAACCATAAATATTTAAAAATAATTTAGCTTGTTTGTTATAACTTTTTACTGCTCAA-3'